The following is an entry in ClinVar:

NM_000384.3(APOB):c.4628C>T (p.Ser1543Phe)

Gene: APOB (apolipoprotein B; minus strand). Cytogenetic location: 2p24.1.
Variant type: single nucleotide variant.
Coding change: c.4628C>T on transcript NM_000384.3 (MANE Select); coding-DNA position 4628, C replaced by T.
Protein change: p.Ser1543Phe; replaces serine 1543 with phenylalanine.
Molecular consequence: missense variant.
Genome position (GRCh38, 1-based): chr2:21,012,240, G>A on the plus strand (C>T on the coding strand, the complement: APOB is on the minus strand). VCF-style: chr2-21012240-G-A. GRCh37 (hg19) VCF-style: chr2-21235112-G-A.
Other names: short protein forms S1543F.
Identifiers: ClinVar variation 3933272 (VCV003933272.2).

ClinVar aggregate classification (germline): Uncertain significance. Review status: criteria provided, multiple submitters, no conflicts (2 of 4 stars). 2 submissions from 2 submitters: Uncertain significance (2). Last evaluated 2025-06-01.

Conditions:
Cardiovascular phenotype. Identifiers: MedGen CN230736.

Submissions (2):

GeneDx
Classification: Uncertain significance. Last evaluated: 2025-06-01. Review status: criteria provided, single submitter. Criteria: GeneDx Variant Classification Process June 2021. Collection method: clinical testing. Allele origin: germline. Affected: yes.
Comment: Not observed at significant frequency in large population cohorts (gnomAD); In silico analysis supports that this missense variant has a deleterious effect on protein structure/function; Has not been previously published as pathogenic or benign to our knowledge

Ambry Genetics
Classification: Uncertain significance for Cardiovascular phenotype. Last evaluated: 2025-05-27. Review status: criteria provided, single submitter. Criteria: Ambry Variant Classification Scheme 2023. Collection method: clinical testing. Allele origin: germline.
Comment: The p.S1543F variant (also known as c.4628C>T), located in coding exon 26 of the APOB gene, results from a C to T substitution at nucleotide position 4628. The serine at codon 1543 is replaced by phenylalanine, an amino acid with highly dissimilar properties. This amino acid position is conserved. In addition, this alteration is predicted to be tolerated by in silico analysis. Based on the available evidence, the clinical significance of this variant remains unclear.